The following is an entry in ClinVar:

ClinVar aggregate classification (germline): Likely benign (1 of 4 stars; one submission).

Allele frequency attached by ClinVar (database versions not stated): 1000 Genomes Project 30x 0.00016; 1000 Genomes Project 0.00020; ESP Exome Variant Server 0.00054; gnomAD 0.00095; ExAC 0.00106.
gnomAD v4.1: 1,242 of 1,611,974 alleles (0.077%); highest among the groups gnomAD compares: Non-Finnish European, 0.06%; 5 homozygotes.

Submission:

CeGaT Center for Human Genetics Tuebingen
Classification: Likely benign. Last evaluated: 2022-11-01. Review status: criteria provided, single submitter. Criteria: CeGaT Center For Human Genetics Tuebingen Variant Classification Criteria Version 2. Collection method: clinical testing. Allele origin: germline. Affected: yes. Observed: 1 variant allele.
Comment: SLC9B1: BP4, BP7

NM_139173.4(SLC9B1):c.804A>G (p.Thr268=)

Gene: SLC9B1 (solute carrier family 9 member B1; minus strand). Cytogenetic location: 4q24.
Variant type: single nucleotide variant.
Coding change: c.804A>G on transcript NM_139173.4 (MANE Select); coding-DNA position 804, A replaced by G.
Protein change: p.Thr268=; no amino-acid change (threonine 268 retained).
Molecular consequence: synonymous variant. On other transcripts: non-coding transcript variant (2).
Genome position (GRCh38, 1-based): chr4:102,932,149, T>C on the plus strand (A>G on the coding strand, the complement: SLC9B1 is on the minus strand). VCF-style: chr4-102932149-T-C. GRCh37 (hg19) VCF-style: chr4-103853306-T-C.
Other names: c.804A>G, p.Thr268= (NM_001100874.3).
Identifiers: ClinVar variation 2654985 (VCV002654985.24), dbSNP rs144427163, ClinGen allele CA102697155.